The following is an entry in ClinVar:

NM_138387.4(G6PC3):c.737G>A (p.Arg246Gln)

Gene: G6PC3 (glucose-6-phosphatase catalytic subunit 3; plus strand). Cytogenetic location: 17q21.31.
Variant type: single nucleotide variant.
Coding change: c.737G>A on transcript NM_138387.4 (MANE Select); coding-DNA position 737, G replaced by A.
Protein change: p.Arg246Gln; replaces arginine 246 with glutamine.
Molecular consequence: missense variant. On other transcripts: 3 prime UTR variant (1).
Genome position (GRCh38, 1-based): chr17:44,075,739, G>A. VCF-style: chr17-44075739-G-A. GRCh37 (hg19) VCF-style: chr17-42153107-G-A.
Other names: c.*30G>A (NM_001319945.2); c.392G>A, p.Arg131Gln (NM_001384165.1, NM_001384166.1, NM_001384167.1 and 1 more transcripts); short protein forms R131Q, R246Q.
Identifiers: ClinVar variation 1001236 (VCV001001236.9), dbSNP rs750355531, ClinGen allele CA8596139.

ClinVar aggregate classification (germline): Uncertain significance. Review status: criteria provided, multiple submitters, no conflicts (2 of 4 stars). 3 submissions from 3 submitters: Uncertain significance (3). Last evaluated 2024-11-26.

Conditions:
Autosomal recessive severe congenital neutropenia due to G6PC3 deficiency. Also called: G6PC3 Deficiency; NEUTROPENIA, SEVERE CONGENITAL, 4, AUTOSOMAL RECESSIVE. Identifiers: Orphanet 331176, MedGen C2751630, MONDO:0012930, OMIM 612541.
Inborn genetic diseases. Identifiers: MedGen C0950123, MeSH D030342.

Allele frequency attached by ClinVar (database versions not stated): gnomAD 0.00009; TOPMed 0.00014; gnomAD exomes 0.00008 and 0.00002; ExAC 0.00008.

Submissions (3):

Ambry Genetics
Classification: Uncertain significance for Inborn genetic diseases. Last evaluated: 2024-11-26. Review status: criteria provided, single submitter. Criteria: Ambry Variant Classification Scheme 2023. Collection method: clinical testing. Allele origin: germline.
Comment: The p.R246Q variant (also known as c.737G>A), located in coding exon 6 of the G6PC3 gene, results from a G to A substitution at nucleotide position 737. The arginine at codon 246 is replaced by glutamine, an amino acid with highly similar properties. This amino acid position is conserved. In addition, this alteration is predicted to be tolerated by in silico analysis. Based on the available evidence, the clinical significance of this variant remains unclear.

Labcorp Genetics (formerly Invitae), Labcorp
Classification: Uncertain significance for Autosomal recessive severe congenital neutropenia due to G6PC3 deficiency. Last evaluated: 2022-08-31. Review status: criteria provided, single submitter. Criteria: Invitae Variant Classification Sherloc (09022015). Collection method: clinical testing. Allele origin: germline.
Comment: This sequence change replaces arginine, which is basic and polar, with glutamine, which is neutral and polar, at codon 246 of the G6PC3 protein (p.Arg246Gln). This variant is present in population databases (rs750355531, gnomAD 0.05%). This variant has not been reported in the literature in individuals affected with G6PC3-related conditions. ClinVar contains an entry for this variant (Variation ID: 1001236). Algorithms developed to predict the effect of missense changes on protein structure and function (SIFT, PolyPhen-2, Align-GVGD) all suggest that this variant is likely to be tolerated. In summary, the available evidence is currently insufficient to determine the role of this variant in disease. Therefore, it has been classified as a Variant of Uncertain Significance.

Mayo Clinic Laboratories, Mayo Clinic
Classification: Uncertain significance. Last evaluated: 2020-03-20. Review status: criteria provided, single submitter. Criteria: ACMG Guidelines, 2015. Collection method: clinical testing. Allele origin: germline. Observed: 1 variant allele.